The following is an entry in ClinVar:

NM_014989.7(RIMS1):c.2770+4C>T

Gene: RIMS1 (regulating synaptic membrane exocytosis 1; plus strand). Cytogenetic location: 6q13.
Variant type: single nucleotide variant.
Coding change: c.2770+4C>T on transcript NM_014989.7 (MANE Select); 4 bases into the intron after coding-DNA position 2770, C replaced by T.
Molecular consequence: intron variant.
Genome position (GRCh38, 1-based): chr6:72,252,836, C>T. VCF-style: chr6-72252836-C-T. GRCh37 (hg19) VCF-style: chr6-72962539-C-T.
Other names: c.1147+4C>T (NM_001350473.2, NM_001350474.2, NM_001350472.2 and 2 more transcripts); c.1123+4C>T (NM_001350428.2, NM_001350459.2, NM_001350424.2 and 6 more transcripts); c.1192+4C>T (NM_001350458.2, NM_001350433.2, NM_001350446.2 and 37 more transcripts); c.949+4C>T (NM_001350469.2, NM_001168409.2, NM_001350466.2 and 6 more transcripts).
Identifiers: ClinVar variation 1921203 (VCV001921203.5), dbSNP rs953813197, ClinGen allele CA140882964.
Genomic context (GRCh38, chr6:72,252,836, plus strand): 5'-GTGATAGTGACATCTCAGATTATGAGGTTGATGATGGTATTGGCGTAGTTCCTCCAGGTG[C>T]GTGGGTGAGGAGCATGACCCTGCTTCACTGTGCTGCTTTGCTTGTTTTCTCTGTCAGCTT-3'

ClinVar aggregate classification (germline): Uncertain significance (1 of 4 stars; one submission).

gnomAD v4.1: 6 of 1,551,488 alleles (0.00039%); highest among the groups gnomAD compares: East Asian, 0.0024%; no homozygotes.

Submission:

Labcorp Genetics (formerly Invitae), Labcorp
Classification: Uncertain significance. Last evaluated: 2024-02-24. Review status: criteria provided, single submitter. Criteria: Invitae Variant Classification Sherloc (09022015). Collection method: clinical testing. Allele origin: germline.
Comment: This sequence change falls in intron 16 of the RIMS1 gene. It does not directly change the encoded amino acid sequence of the RIMS1 protein. It affects a nucleotide within the consensus splice site. The frequency data for this variant in the population databases is considered unreliable, as metrics indicate poor data quality at this position in the gnomAD database. This variant has not been reported in the literature in individuals affected with RIMS1-related conditions. ClinVar contains an entry for this variant (Variation ID: 1921203). Variants that disrupt the consensus splice site are a relatively common cause of aberrant splicing (PMID: 17576681, 9536098). Algorithms developed to predict the effect of sequence changes on RNA splicing suggest that this variant may disrupt the consensus splice site. In summary, the available evidence is currently insufficient to determine the role of this variant in disease. Therefore, it has been classified as a Variant of Uncertain Significance.

Literature cited by the submitters: PubMed 17576681; PubMed 9536098.